The following is an entry in ClinVar:

ClinVar aggregate classification (germline): Uncertain significance (1 of 4 stars; one submission).

Conditions:
BBS10-related disorder. Also called: BBS10-related condition.

gnomAD v4.1: 18 of 1,576,714 alleles (0.0011%); highest among the groups gnomAD compares: African/African-American, 0.0027%; no homozygotes.

Submission:

PreventionGenetics, part of Exact Sciences
Classification: Uncertain significance for BBS10-related condition. Last evaluated: 2026-04-25. Review status: criteria provided, single submitter. Criteria: ACMG Guidelines, 2015. Collection method: clinical testing. Allele origin: germline.
Comment: The BBS10 c.-2A>G variant is located in the 5' untranslated region. This variant is predicted to alter splicing based on available splicing prediction programs (SpliceAI, Jaganathan et al. 2019. PubMed ID: 30661751). To our knowledge, this variant has not been reported in the literature. This variant is reported in 0.0013% of alleles in individuals of European (Non-Finnish) descent in gnomAD. At this time, the clinical significance of this variant is uncertain due to the absence of conclusive functional and genetic evidence.

NM_024685.4(BBS10):c.-2A>G

Gene: BBS10 (Bardet-Biedl syndrome 10; minus strand). Cytogenetic location: 12q21.2.
Variant type: single nucleotide variant.
Coding change: c.-2A>G on transcript NM_024685.4 (MANE Select); 2 bases upstream of the start codon, A replaced by G.
Molecular consequence: 5 prime UTR variant.
Genome position (GRCh38, 1-based): chr12:76,348,360, T>C on the plus strand (A>G on the coding strand, the complement: BBS10 is on the minus strand). VCF-style: chr12-76348360-T-C. GRCh37 (hg19) VCF-style: chr12-76742140-T-C.
Identifiers: ClinVar variation 4979900 (VCV004979900.1).